The following is an entry in ClinVar:

NM_000288.4(PEX7):c.523_526dup (p.Gly176fs)

Gene: PEX7 (peroxisomal biogenesis factor 7; plus strand). Cytogenetic location: 6q23.3.
Variant type: Duplication.
Coding change: c.523_526dup on transcript NM_000288.4 (MANE Select); coding-DNA positions 523 to 526, 4 bases duplicated (TCAG; older notation c.523_526dupTCAG).
Protein change: p.Gly176fs; shifts the reading frame from glycine 176.
Molecular consequence: frameshift variant.
Genome position (GRCh38, 1-based): chr6:136,846,178-136,846,181, TCAG duplicated. VCF-style (leftmost placement, unchanged base first): chr6-136846177-C-CTCAG. GRCh37 (hg19) VCF-style: chr6-137167315-C-CTCAG.
Other names: c.409_412dup, p.Gly138fs (NM_001410945.1); short protein forms G138fs, G176fs.
Identifiers: ClinVar variation 2852234 (VCV002852234.4), dbSNP rs1774596232, ClinGen allele CA1094880216.
Genomic context (GRCh38, chr6:136,846,177, plus strand): 5'-TGAAAGTATTATTTATAGCACAATCTGGTCTCCCCACATCCCTGGTTGTTTTGCTTCAGC[C>CTCAG]TCAGGTAAATTATTCTGTATTTACCAAAAGCCTTACTTGTAGTGAATGGTGGCCTTGTTT-3'

ClinVar aggregate classification (germline): Pathogenic. Review status: criteria provided, multiple submitters, no conflicts (2 of 4 stars). 2 submissions from 2 submitters: Pathogenic (2). Last evaluated 2025-06-03.

Conditions:
Peroxisome biogenesis disorder. Identifiers: Orphanet 79189, MedGen C1832200, MONDO:0019234. Disease mechanism: loss of function.
Peroxisome biogenesis disorder 9B. Also called: PEX7-Related Refsum Disease; Refsum disease, adult, 2; PEROXISOME BIOGENESIS DISORDER, PEX7-RELATED, ATYPICAL. Identifiers: Orphanet 773, MedGen C2749346, MONDO:0013945, OMIM 614879.

Allele frequency attached by ClinVar (database versions not stated): gnomAD 0.00001.

Submissions (2):

Myriad Genetics, Inc.
Classification: Pathogenic for Peroxisome biogenesis disorder. Last evaluated: 2025-06-03. Review status: criteria provided, single submitter. Criteria: Myriad Autosomal Dominant, Autosomal Recessive and X-Linked Classification Criteria (2023). Collection method: clinical testing. Allele origin: unknown.
Comment: NM_000288.3(PEX7):c.523_526dupTCAG(G176Vfs*3) is a frameshift variant classified as pathogenic in the context of PEX7-related disorders. G176Vfs*3 has not been observed in cases with relevant disease. Relevant functional assessments of this variant are not available in the literature. G176Vfs*3 has not been observed in referenced population frequency databases. In summary, NM_000288.3(PEX7):c.523_526dupTCAG(G176Vfs*3) is a frameshift variant in a gene where loss of function is a known mechanism of disease and is predicted to disrupt protein function. Please note: this variant was assessed in the context of healthy population screening.

Labcorp Genetics (formerly Invitae), Labcorp
Classification: Pathogenic for Peroxisome biogenesis disorder 9B. Last evaluated: 2023-04-06. Review status: criteria provided, single submitter. Criteria: Invitae Variant Classification Sherloc (09022015). Collection method: clinical testing. Allele origin: germline.
Comment: This variant is not present in population databases (gnomAD no frequency). This sequence change creates a premature translational stop signal (p.Gly176Valfs*3) in the PEX7 gene. It is expected to result in an absent or disrupted protein product. Loss-of-function variants in PEX7 are known to be pathogenic (PMID: 12325024, 12522768, 20301447). This variant has not been reported in the literature in individuals affected with PEX7-related conditions. This variant is also known as c.526_526+1insTCAG. For these reasons, this variant has been classified as Pathogenic.

Literature cited by the submitters: PubMed 12325024 (cited by Labcorp Genetics (formerly Invitae), Labcorp); PubMed 12522768 (cited by Labcorp Genetics (formerly Invitae), Labcorp); PubMed 20301447 (cited by Labcorp Genetics (formerly Invitae), Labcorp).